The following is an entry in ClinVar:

NM_153006.3(NAGS):c.598T>C (p.Cys200Arg)

Gene: NAGS (N-acetylglutamate synthase; plus strand). Cytogenetic location: 17q21.31.
Variant type: single nucleotide variant.
Coding change: c.598T>C on transcript NM_153006.3 (MANE Select); coding-DNA position 598, T replaced by C.
Protein change: p.Cys200Arg; replaces cysteine 200 with arginine.
Molecular consequence: missense variant.
Genome position (GRCh38, 1-based): chr17:44,005,808, T>C. VCF-style: chr17-44005808-T-C. GRCh37 (hg19) VCF-style: chr17-42083176-T-C.
Other names: short protein forms C200R.
Identifiers: ClinVar variation 3384933 (VCV003384933.2).

ClinVar aggregate classification (germline): Likely pathogenic (1 of 4 stars; one submission).

Conditions:
Hyperammonemia, type III (NAGSD). Also called: Hyperammonemia due to N-acetylglutamate synthase deficiency. Identifiers: Orphanet 927, MedGen C0268543, MONDO:0009377, OMIM 237310.

Submission:

Women's Health and Genetics/Laboratory Corporation of America, LabCorp
Classification: Likely pathogenic for Hyperammonemia, type III. Last evaluated: 2024-10-04. Review status: criteria provided, single submitter. Criteria: LabCorp Variant Classification Summary - May 2015. Collection method: clinical testing. Allele origin: germline.
Comment: Variant summary: NAGS c.598T>C (p.Cys200Arg) results in a non-conservative amino acid change located in the Aspartate/glutamate/uridylate kinase (IPR001048) of the encoded protein sequence. Five of five in-silico tools predict a damaging effect of the variant on protein function. The frequency data for this variant in gnomAD is considered unreliable, as metrics indicate poor data quality at this position. c.598T>C has been reported in the literature in a compound heterozygous individual affected with Hyperammonemia, type III (Schmidt_2005). At least one publication reports experimental evidence evaluating an impact on protein function. The most pronounced variant effect results in <5% of normal activity in an in vitro enzymatic activity (Schmidt_2005). The following publications have been ascertained in the context of this evaluation (PMID: 38740568, 15878741). No submitters have cited clinical-significance assessments for this variant to ClinVar. Based on the evidence outlined above, the variant was classified as likely pathogenic.

Literature cited by the submitters: PubMed 15878741; PubMed 38740568.